The following is an entry in ClinVar:

NM_002838.5(PTPRC):c.2979G>C (p.Met993Ile)

Gene: PTPRC (protein tyrosine phosphatase receptor type C; plus strand). Cytogenetic location: 1q32.1.
Variant type: single nucleotide variant.
Coding change: c.2979G>C on transcript NM_002838.5 (MANE Select); coding-DNA position 2979, G replaced by C.
Protein change: p.Met993Ile; replaces methionine 993 with isoleucine.
Molecular consequence: missense variant.
Genome position (GRCh38, 1-based): chr1:198,749,456, G>C. VCF-style: chr1-198749456-G-C. GRCh37 (hg19) VCF-style: chr1-198718585-G-C.
Other names: c.2496G>C, p.Met832Ile (NM_080921.4); short protein forms M993I, M832I.
Identifiers: ClinVar variation 1976400 (VCV001976400.5), dbSNP rs2528030616, ClinGen allele CA344053106.

ClinVar aggregate classification (germline): Uncertain significance (1 of 4 stars; one submission).

Conditions:
Immunodeficiency 104. Also called: IMMUNODEFICIENCY 104, SEVERE COMBINED; Severe combined immunodeficiency, autosomal recessive, T cell-negative, B cell-positive, NK cell-positive; SCID, AUTOSOMAL RECESSIVE, T CELL-NEGATIVE, B CELL-POSITIVE, NK CELL-POSITIVE; Severe Combined Immune Deficiency, Autosomal Recessive, TCell -Negative, B Cell-Positive, NK Cell-Positive, IL7R-Related. Identifiers: MedGen C5676890, MONDO:0012163, OMIM 608971.

Allele frequency attached by ClinVar (database versions not stated): gnomAD exomes below 0.00001.
gnomAD v4.1: 1 of 1,609,826 alleles (0.000062%); highest among the groups gnomAD compares: Admixed American, 0.0017%; no homozygotes.

Submission:

Labcorp Genetics (formerly Invitae), Labcorp
Classification: Uncertain significance for Immunodeficiency 104. Last evaluated: 2022-08-12. Review status: criteria provided, single submitter. Criteria: Invitae Variant Classification Sherloc (09022015). Collection method: clinical testing. Allele origin: germline.
Comment: This sequence change replaces methionine, which is neutral and non-polar, with isoleucine, which is neutral and non-polar, at codon 993 of the PTPRC protein (p.Met993Ile). This variant is not present in population databases (gnomAD no frequency). In summary, the available evidence is currently insufficient to determine the role of this variant in disease. Therefore, it has been classified as a Variant of Uncertain Significance. Algorithms developed to predict the effect of missense changes on protein structure and function output the following: SIFT: "Tolerated"; PolyPhen-2: "Benign"; Align-GVGD: "Class C0". The isoleucine amino acid residue is found in multiple mammalian species, which suggests that this missense change does not adversely affect protein function. This variant has not been reported in the literature in individuals affected with PTPRC-related conditions.